The following is an entry in ClinVar:

NM_006904.7(PRKDC):c.4955T>G (p.Ile1652Ser)

Gene: PRKDC (protein kinase, DNA-activated, catalytic subunit; minus strand). Cytogenetic location: 8q11.21.
Variant type: single nucleotide variant.
Coding change: c.4955T>G on transcript NM_006904.7 (MANE Select); coding-DNA position 4955, T replaced by G.
Protein change: p.Ile1652Ser; replaces isoleucine 1652 with serine.
Molecular consequence: missense variant.
Genome position (GRCh38, 1-based): chr8:47,881,919, A>C on the plus strand (T>G on the coding strand, the complement: PRKDC is on the minus strand). VCF-style: chr8-47881919-A-C. GRCh37 (hg19) VCF-style: chr8-48794480-A-C.
Other names: c.4955T>G, p.Ile1652Ser (NM_001081640.2); short protein forms I1652S.
Identifiers: ClinVar variation 1744351 (VCV001744351.2), dbSNP rs2551872674, ClinGen allele CA371141387.

ClinVar aggregate classification (germline): Uncertain significance (1 of 4 stars; one submission).

Submission:

Ambry Genetics
Classification: Uncertain significance. Last evaluated: 2021-07-23. Review status: criteria provided, single submitter. Criteria: Ambry Variant Classification Scheme 2023. Collection method: clinical testing. Allele origin: germline.
Comment: The p.I1652S variant (also known as c.4955T>G), located in coding exon 37 of the PRKDC gene, results from a T to G substitution at nucleotide position 4955. The isoleucine at codon 1652 is replaced by serine, an amino acid with dissimilar properties. This amino acid position is conserved. In addition, this alteration is predicted to be tolerated by in silico analysis. Since supporting evidence is limited at this time, the clinical significance of this alteration remains unclear.